The following is an entry in ClinVar:

ClinVar aggregate classification (germline): Uncertain significance (1 of 4 stars; one submission).

Conditions:
Primary ciliary dyskinesia. Also called: Ciliary dyskinesia. Identifiers: Orphanet 244, MedGen C0008780, MONDO:0016575, HP:0012265.

Allele frequency attached by ClinVar (database versions not stated): gnomAD 0.00001.
gnomAD v4.1: 2 of 1,613,826 alleles (0.00012%); highest among the groups gnomAD compares: African/African-American, 0.0027%; no homozygotes.

Submission:

Labcorp Genetics (formerly Invitae), Labcorp
Classification: Uncertain significance for Primary ciliary dyskinesia. Last evaluated: 2022-12-05. Review status: criteria provided, single submitter. Criteria: Invitae Variant Classification Sherloc (09022015). Collection method: clinical testing. Allele origin: germline.
Comment: This variant is not present in population databases (gnomAD no frequency). This variant has not been reported in the literature in individuals affected with DNAH5-related conditions. Advanced modeling of protein sequence and biophysical properties (such as structural, functional, and spatial information, amino acid conservation, physicochemical variation, residue mobility, and thermodynamic stability) has been performed at Invitae for this missense variant, however the output from this modeling did not meet the statistical confidence thresholds required to predict the impact of this variant on DNAH5 protein function. In summary, the available evidence is currently insufficient to determine the role of this variant in disease. Therefore, it has been classified as a Variant of Uncertain Significance. This sequence change replaces alanine, which is neutral and non-polar, with glutamic acid, which is acidic and polar, at codon 4494 of the DNAH5 protein (p.Ala4494Glu).

NM_001369.3(DNAH5):c.13481C>A (p.Ala4494Glu)

Gene: DNAH5 (dynein axonemal heavy chain 5; minus strand). Cytogenetic location: 5p15.2.
Variant type: single nucleotide variant.
Coding change: c.13481C>A on transcript NM_001369.3 (MANE Select); coding-DNA position 13481, C replaced by A.
Protein change: p.Ala4494Glu; replaces alanine 4494 with glutamic acid.
Molecular consequence: missense variant.
Genome position (GRCh38, 1-based): chr5:13,701,294, G>T on the plus strand (C>A on the coding strand, the complement: DNAH5 is on the minus strand). VCF-style: chr5-13701294-G-T. GRCh37 (hg19) VCF-style: chr5-13701403-G-T.
Other names: short protein forms A4494E.
Identifiers: ClinVar variation 2995176 (VCV002995176.3), dbSNP rs756228394, ClinGen allele CA359192367.